The following is an entry in ClinVar:

ClinVar aggregate classification (germline): Uncertain significance (1 of 4 stars; one submission).

Conditions:
Dilated cardiomyopathy 1G (CMD1G). Identifiers: Orphanet 154, MedGen C1858763, MONDO:0011400, OMIM 604145.
Autosomal recessive limb-girdle muscular dystrophy type 2J (LGMDR10). Also called: Limb-girdle muscular dystrophy, type 2J; MUSCULAR DYSTROPHY, LIMB-GIRDLE, AUTOSOMAL RECESSIVE 10. Identifiers: Orphanet 140922, MedGen C1837342, MONDO:0012127, OMIM 608807.

Allele frequency attached by ClinVar (database versions not stated): gnomAD exomes below 0.00001.
gnomAD v4.1: 1 of 1,613,230 alleles (0.000062%); highest among the groups gnomAD compares: African/African-American, 0.0013%; no homozygotes.

Submission:

Labcorp Genetics (formerly Invitae), Labcorp
Classification: Uncertain significance for Dilated cardiomyopathy 1G; Autosomal recessive limb-girdle muscular dystrophy type 2J. Last evaluated: 2022-06-14. Review status: criteria provided, single submitter. Criteria: Invitae Variant Classification Sherloc (09022015). Collection method: clinical testing. Allele origin: germline.
Comment: This sequence change replaces isoleucine, which is neutral and non-polar, with threonine, which is neutral and polar, at codon 33946 of the TTN protein (p.Ile33946Thr). This variant is not present in population databases (gnomAD no frequency). This variant has not been reported in the literature in individuals affected with TTN-related conditions. Experimental studies and prediction algorithms are not available or were not evaluated, and the functional significance of this variant is currently unknown. In summary, the available evidence is currently insufficient to determine the role of this variant in disease. Therefore, it has been classified as a Variant of Uncertain Significance. This variant is located in the M band of TTN (PMID: 25589632). Variants in this region may be relevant for neuromuscular disorders, but have not been definitively shown to cause cardiomyopathy (PMID: 23975875).

Literature cited by the submitters: PubMed 25589632; PubMed 23975875.

NM_001267550.2(TTN):c.101837T>C (p.Ile33946Thr)

Genes: TTN (titin; minus strand), TTN-AS1 (TTN antisense RNA 1; plus strand). Cytogenetic location: 2q31.2.
Variant type: single nucleotide variant.
Coding change: c.101837T>C on transcript NM_001267550.2 (MANE Select); coding-DNA position 101837, T replaced by C.
Protein change: p.Ile33946Thr; replaces isoleucine 33946 with threonine.
Molecular consequence: missense variant.
Genome position (GRCh38, 1-based): chr2:178,534,778, A>G on the plus strand (T>C on the coding strand, the complement: TTN is on the minus strand). VCF-style: chr2-178534778-A-G. GRCh37 (hg19) VCF-style: chr2-179399505-A-G.
Other names: c.96914T>C, p.Ile32305Thr (NM_001256850.1); c.74642T>C, p.Ile24881Thr (NM_003319.4); c.94133T>C, p.Ile31378Thr (NM_133378.4); c.75017T>C, p.Ile25006Thr (NM_133432.3); c.75218T>C, p.Ile25073Thr (NM_133437.4); short protein forms I25006T, I32305T, I31378T, I24881T, I25073T, I33946T.
Identifiers: ClinVar variation 1968806 (VCV001968806.5), dbSNP rs1559041085, ClinGen allele CA349419254.